The following is an entry in ClinVar:

ClinVar aggregate classification (germline): Likely benign (1 of 4 stars; one submission).

gnomAD v4.1: 101 of 1,530,410 alleles (0.0066%); highest among the groups gnomAD compares: Non-Finnish European, 0.0084%; no homozygotes.

Submission:

CeGaT Center for Human Genetics Tuebingen
Classification: Likely benign. Last evaluated: 2026-08-01. Review status: criteria provided, single submitter. Criteria: CeGaT Center For Human Genetics Tuebingen Variant Classification Criteria Version 2. Collection method: clinical testing. Allele origin: germline. Affected: yes. Observed: 1 variant allele.
Comment: OTOGL: BP4, BP7

NM_001378609.3(OTOGL):c.2985C>T (p.Asn995=)

Gene: OTOGL (otogelin like; plus strand). Cytogenetic location: 12q21.31.
Variant type: single nucleotide variant.
Coding change: c.2985C>T on transcript NM_001378609.3 (MANE Select); coding-DNA position 2985, C replaced by T.
Protein change: p.Asn995=; no amino-acid change (asparagine 995 retained).
Molecular consequence: synonymous variant. On other transcripts: intron variant (1).
Genome position (GRCh38, 1-based): chr12:80,296,883, C>T. VCF-style: chr12-80296883-C-T. GRCh37 (hg19) VCF-style: chr12-80690663-C-T.
Other names: c.2985C>T, p.Asn995= (NM_001378610.3, NM_173591.7); c.2929-5751C>T (NM_001368062.3).
Identifiers: ClinVar variation 5038887 (VCV005038887.1).
Genomic context (GRCh38, chr12:80,296,883, plus strand): 5'-TCAGAGTGCAGATGATTCAGATATATCTGTCATTGCCCAGAACAAGAAATGCTTTGACAA[C>T]GATATTGTTTGTTCTAAAAGTGTTTTGATTTCAGTTGGGGACACTGAAATTTACCTGAAT-3'
Protein context (NP_001365538.2, residues 985-1005): VIAQNKKCFD[Asn995=]DIVCSKSVLI